The following is an entry in ClinVar:

ClinVar aggregate classification (germline): Likely benign (1 of 4 stars; one submission).

gnomAD v4.1: 5 of 1,599,986 alleles (0.00031%); highest among the groups gnomAD compares: Admixed American, 0.0017%; no homozygotes.

Submission:

Women's Health and Genetics/Laboratory Corporation of America, LabCorp
Classification: Likely benign. Last evaluated: 2025-07-30. Review status: criteria provided, single submitter. Criteria: LabCorp Variant Classification Summary - May 2015. Collection method: clinical testing. Allele origin: germline.
Comment: Variant summary: DIAPH3 c.1125+8C>T alters a non-conserved nucleotide located at a position not widely known to affect splicing. Consensus agreement among computation tools predict no significant impact on normal splicing. However, these predictions have yet to be confirmed by functional studies. The variant was absent in 242536 control chromosomes. The available data on variant occurrences in the general population are insufficient to allow any conclusion about variant significance. To our knowledge, no occurrence of c.1125+8C>T in individuals affected with Autosomal Dominant Auditory Neuropathy 1 and no experimental evidence demonstrating its impact on protein function have been reported. No submitters have cited clinical-significance assessments for this variant to ClinVar. Based on the evidence outlined above, the variant was classified as likely benign.

NM_001042517.2(DIAPH3):c.1125+8C>T

Gene: DIAPH3 (diaphanous related formin 3; minus strand). Cytogenetic location: 13q21.2.
Variant type: single nucleotide variant.
Coding change: c.1125+8C>T on transcript NM_001042517.2 (MANE Select); 8 bases into the intron after coding-DNA position 1125, C replaced by T.
Molecular consequence: intron variant.
Genome position (GRCh38, 1-based): chr13:59,992,465, G>A on the plus strand (C>T on the coding strand, the complement: DIAPH3 is on the minus strand). VCF-style: chr13-59992465-G-A. GRCh37 (hg19) VCF-style: chr13-60566599-G-A.
Other names: c.915+8C>T (NM_001258368.2); c.987+8C>T (NM_001258367.2); c.1092+8C>T (NM_001258366.2); c.1125+8C>T (NM_001258369.2); c.336+8C>T (NM_030932.4, NM_001258370.2).
Identifiers: ClinVar variation 4525745 (VCV004525745.1).
Genomic context (GRCh38, chr13:59,992,465, plus strand): 5'-TCTAAATTTCCCCCTACTCAAGTACTCTTTTAATTTAAATATTAATAAGGAGACTGCAGG[G>A]CACTTACTGGCAATATCTCTTTCAATCCACAACGCATAAATTCATTTCTGATGTGAAGCC-3'